The following is an entry in ClinVar:

ClinVar aggregate classification (germline): Pathogenic (1 of 4 stars; one submission).

Submission:

Labcorp Genetics (formerly Invitae), Labcorp
Classification: Pathogenic. Last evaluated: 2023-09-30. Review status: criteria provided, single submitter. Criteria: Invitae Variant Classification Sherloc (09022015). Collection method: clinical testing. Allele origin: germline.
Comment: This sequence change creates a premature translational stop signal (p.Tyr3081Metfs*5) in the EYS gene. While this is not anticipated to result in nonsense mediated decay, it is expected to disrupt the last 64 amino acid(s) of the EYS protein. This variant is not present in population databases (gnomAD no frequency). This variant has not been reported in the literature in individuals affected with EYS-related conditions. This variant disrupts a region of the EYS protein in which other variant(s) (p.Tyr3135*) have been determined to be pathogenic (PMID: 18976725, 29159838, 30337596, 31074760). This suggests that this is a clinically significant region of the protein, and that variants that disrupt it are likely to be disease-causing. For these reasons, this variant has been classified as Pathogenic.

Literature cited by the submitters: PubMed 18976725; PubMed 29159838; PubMed 30337596; PubMed 31074760.

NM_001142800.2(EYS):c.9240_9273del (p.Tyr3081fs)

Genes: EYS (EGF-like photoreceptor maintenance factor; minus strand), PHF3 (PHD finger protein 3; plus strand). Cytogenetic location: 6q12.
Variant type: Deletion.
Coding change: c.9240_9273del on transcript NM_001142800.2 (MANE Select); coding-DNA positions 9240 to 9273, 34 bases deleted.
Protein change: p.Tyr3081fs; shifts the reading frame from tyrosine 3081.
Molecular consequence: frameshift variant. On other transcripts: 3 prime UTR variant (5).
Genome position (GRCh38, 1-based): chr6:63,720,758-63,720,791, 34 bases deleted; deleting any 34 consecutive bases within chr6:63,720,758-63,720,793 gives the same sequence; the c. name uses the placement nearest the transcript's 3' end. GRCh37 (hg19): chr6:64,430,656-64,430,689.
Other names: c.*7052_*7085del (NM_001290259.2, NM_001370348.2, NM_001370349.2 and 2 more transcripts); c.9303_9336del, p.Tyr3102fs (NM_001292009.2); short protein forms Y3081fs, Y3102fs.
Identifiers: ClinVar variation 2764681 (VCV002764681.3), dbSNP rs2533385750, ClinGen allele CA2697553505.